The following is an entry in ClinVar:

NM_033004.4(NLRP1):c.4127C>G (p.Pro1376Arg)

Gene: NLRP1 (NLR family pyrin domain containing 1; minus strand). Cytogenetic location: 17p13.2.
Variant type: single nucleotide variant.
Coding change: c.4127C>G on transcript NM_033004.4 (MANE Select); coding-DNA position 4127, C replaced by G.
Protein change: p.Pro1376Arg; replaces proline 1376 with arginine.
Molecular consequence: missense variant. On other transcripts: intron variant (1).
Genome position (GRCh38, 1-based): chr17:5,515,049, G>C on the plus strand (C>G on the coding strand, the complement: NLRP1 is on the minus strand). VCF-style: chr17-5515049-G-C. GRCh37 (hg19) VCF-style: chr17-5418369-G-C.
Other names: p.Pro1376Arg; c.3995C>G, p.Pro1332Arg (NM_014922.5); c.4037C>G, p.Pro1346Arg (NM_033006.4); c.3905C>G, p.Pro1302Arg (NM_033007.4); c.4069+2697C>G (NM_001033053.3); short protein forms P1302R, P1332R, P1346R, P1376R.
Identifiers: ClinVar variation 4813068 (VCV004813068.1).
Genomic context (GRCh38, chr17:5,515,049, plus strand): 5'-ACCGATGTCACTCGGGCTATCAGCTGCTCTCGATACTGGTCCACAAAGTGCAGCAACTGC[G>C]GGGCATCCAGAGGTGAAGGTACGGCTGGCAACGAACAAAGAAGGGCTCCAACCACAGCCT-3'
Protein context (NP_127497.1, residues 1366-1386): RIAVPSPLDA[Pro1376Arg]QLLHFVDQYR

ClinVar aggregate classification (germline): Uncertain significance (1 of 4 stars; one submission).

Conditions:
Autoinflammation with arthritis and dyskeratosis (AIADK). Identifiers: MedGen C4479278, MONDO:0060457, OMIM 617388.

Submission:

Department of Molecular Genetics, Istishari Arab Hospital
Classification: Uncertain significance for Autoinflammation with arthritis and dyskeratosis. Last evaluated: 2026-03-02. Review status: criteria provided, single submitter. Criteria: ACMG Guidelines, 2015. Collection method: clinical testing. Allele origin: germline. Inheritance: Autosomal dominant inheritance. Affected: yes.
Comment: The NLRP1 variant c.4127C>G, p.Pro1376Arg creates an amino acid change from Pro to Arg at position 1376. The variant is not observed in the gnomAD v4.1.0 dataset, and to the best of our knowledge, it was not previously reported in the literature. It is classified as a variant of uncertain significance according to the recommendations of ACMG/AMP/ClinGen SVI guidelines.